The following is an entry in ClinVar:

ClinVar aggregate classification (germline): Benign. Review status: criteria provided, multiple submitters, no conflicts (2 of 4 stars). 7 submissions from 5 submitters: Benign (7). Last evaluated 2021-07-30.

Conditions:
Ullrich congenital muscular dystrophy 1A. Also called: Ullrich congenital muscular dystrophy 1; Intermediate COL6-RD. Identifiers: Orphanet 75840, MedGen C0410179, MONDO:0009681, OMIM 254090.
Myosclerosis. Also called: MYOPATHY, MYOSCLEROTIC; MYOSCLEROSIS, CONGENITAL, OF LOWENTHAL; Myosclerosis, congenital. Identifiers: Orphanet 289380, MedGen C1850671, MONDO:0009714, OMIM 255600.
Bethlem myopathy 1A. Also called: Bethlem myopathy 1; Bethlem Muscular Dystrophy; MYOPATHY, BENIGN CONGENITAL, WITH CONTRACTURES. Identifiers: Orphanet 610, MedGen CN029274, MONDO:0024530, OMIM 158810.

Allele frequency attached by ClinVar (database versions not stated): gnomAD 0.54180 and 0.53606; 1000 Genomes Project 30x 0.48079; ESP Exome Variant Server 0.53189; ExAC 0.53587; gnomAD exomes 0.55574 and 0.55302; 1000 Genomes Project 0.48383; TOPMed 0.53872.

Submissions (7):

Genome-Nilou Lab
Classification: Benign for Myosclerosis. Last evaluated: 2021-07-30. Review status: criteria provided, single submitter. Criteria: ACMG Guidelines, 2015. Collection method: clinical testing. Allele origin: germline. Affected: no.

Genome-Nilou Lab
Classification: Benign for Bethlem myopathy 1A. Last evaluated: 2021-07-30. Review status: criteria provided, single submitter. Criteria: ACMG Guidelines, 2015. Collection method: clinical testing. Allele origin: germline. Affected: no.

Genome-Nilou Lab
Classification: Benign for Ullrich congenital muscular dystrophy 1A. Last evaluated: 2021-07-30. Review status: criteria provided, single submitter. Criteria: ACMG Guidelines, 2015. Collection method: clinical testing. Allele origin: germline. Affected: no.

GeneDx
Classification: Benign. Last evaluated: 2018-06-14. Review status: criteria provided, single submitter. Criteria: GeneDx Variant Classification (06012015). Collection method: clinical testing. Allele origin: germline. Affected: yes.
Comment: This variant is considered likely benign or benign based on one or more of the following criteria: it is a conservative change, it occurs at a poorly conserved position in the protein, it is predicted to be benign by multiple in silico algorithms, and/or has population frequency not consistent with disease.

Eurofins Ntd Llc (ga)
Classification: Benign. Last evaluated: 2012-11-16. Review status: criteria provided, single submitter. Criteria: EGL Classification Definitions 2015. Collection method: clinical testing. Allele origin: germline. Observed: 45 variant alleles, 28 heterozygotes, 17 homozygotes.

Breakthrough Genomics
Classification: Benign. Review status: criteria provided, single submitter. Criteria: ACMG Guidelines, 2015. Collection method: not provided. Allele origin: germline. Inheritance: Autosomal recessive inheritance. Affected: yes.

PreventionGenetics, part of Exact Sciences
Classification: Benign. Review status: criteria provided, single submitter. Criteria: ACMG Guidelines, 2015. Collection method: clinical testing. Allele origin: germline.

NM_001849.4(COL6A2):c.2462-35C>T

Gene: COL6A2 (collagen type VI alpha 2 chain; plus strand). Cytogenetic location: 21q22.3.
Variant type: single nucleotide variant.
Coding change: c.2462-35C>T on transcript NM_001849.4 (MANE Select); 35 bases into the intron before coding-DNA position 2462, C replaced by T.
Molecular consequence: intron variant.
Genome position (GRCh38, 1-based): chr21:46,131,919, C>T. VCF-style: chr21-46131919-C-T. GRCh37 (hg19) VCF-style: chr21-47551833-C-T.
Identifiers: ClinVar variation 93940 (VCV000093940.9), dbSNP rs7279622, ClinGen allele CA147477.